The following is an entry in ClinVar:

ClinVar aggregate classification (germline): Pathogenic/Likely pathogenic. Review status: criteria provided, multiple submitters, no conflicts (2 of 4 stars). 3 submissions from 3 submitters: Pathogenic (2); Likely pathogenic (1). Last evaluated 2025-04-28.

Conditions:
Multiple congenital anomalies-hypotonia-seizures syndrome 1 (MCAHS1). Also called: GLYCOSYLPHOSPHATIDYLINOSITOL BIOSYNTHESIS DEFECT 3; PIGN-CDG; Congenital disorder of glycosylation due to PIGN deficiency. Identifiers: Orphanet 280633, MedGen C3279775, MONDO:0013563, OMIM 614080.

Submissions (3):

Labcorp Genetics (formerly Invitae), Labcorp
Classification: Pathogenic for Multiple congenital anomalies-hypotonia-seizures syndrome 1. Last evaluated: 2025-04-28. Review status: criteria provided, single submitter. Criteria: Invitae Variant Classification Sherloc (09022015). Collection method: clinical testing. Allele origin: germline.
Comment: This sequence change creates a premature translational stop signal (p.Leu420Phefs*5) in the PIGN gene. It is expected to result in an absent or disrupted protein product. Loss-of-function variants in PIGN are known to be pathogenic (PMID: 24253414, 27038415). This variant is not present in population databases (gnomAD no frequency). This premature translational stop signal has been observed in individual(s) with epilepsy (PMID: 31440721). ClinVar contains an entry for this variant (Variation ID: 472207). For these reasons, this variant has been classified as Pathogenic.

Women's Health and Genetics/Laboratory Corporation of America, LabCorp
Classification: Pathogenic for Multiple congenital anomalies-hypotonia-seizures syndrome 1. Last evaluated: 2024-03-25. Review status: criteria provided, single submitter. Criteria: LabCorp Variant Classification Summary - May 2015. Collection method: clinical testing. Allele origin: germline.
Comment: Variant summary: PIGN c.1258delC (p.Leu420PhefsX5) results in a premature termination codon, predicted to cause a truncation of the encoded protein or absence of the protein due to nonsense mediated decay, which are commonly known mechanisms for disease. The variant was absent in 224224 control chromosomes. To our knowledge, no occurrence of c.1258delC in individuals affected with Multiple Congenital Anomalies-Hypotonia Syndrome 1 and no experimental evidence demonstrating its impact on protein function have been reported. ClinVar contains an entry for this variant (Variation ID: 472207). Based on the evidence outlined above, the variant was classified as pathogenic.

Molecular Genetics, Royal Melbourne Hospital
Classification: Likely pathogenic for Multiple congenital anomalies-hypotonia-seizures syndrome 1. Last evaluated: 2023-03-30. Review status: criteria provided, single submitter. Criteria: ACMG Guidelines, 2015. Collection method: clinical testing. Allele origin: germline.
Comment: This sequence change is a deletion of 1 bp in exon 16 (of 31) of PIGN that is predicted to create a premature termination codon at position 424 (p.(Leu420Phefs*5)). It is expected to result in nonsense mediated decay, in a gene where loss of function is an established mechanism of disease (ClinGen). The variant is absent in a large population cohort (gnomAD v2.1 and v3.1), and has been reported as pathogenic (ClinVar). It has not been reported in the relevant medical literature. Based on the classification scheme RMH Modified ACMG Guidelines v1.3.2, this variant is classified as LIKELY PATHOGENIC. Following criteria are met: PVS1, PM2_Supporting.

Literature cited by the submitters: PubMed 24253414 (cited by Labcorp Genetics (formerly Invitae), Labcorp); PubMed 27038415 (cited by Labcorp Genetics (formerly Invitae), Labcorp); PubMed 31440721 (cited by Labcorp Genetics (formerly Invitae), Labcorp).

NM_176787.5(PIGN):c.1258del (p.Leu420fs)

Gene: PIGN (phosphatidylinositol glycan anchor biosynthesis class N; minus strand). Cytogenetic location: 18q21.33.
Variant type: Deletion.
Coding change: c.1258del on transcript NM_176787.5 (MANE Select); coding-DNA position 1258, one base deleted (C; older notation c.1258delC).
Protein change: p.Leu420fs; shifts the reading frame from leucine 420.
Molecular consequence: frameshift variant.
Genome position (GRCh38, 1-based): chr18:62,113,310, G deleted on the plus strand (C on the coding strand, the reverse complement: PIGN is on the minus strand); the first of 3 consecutive G bases (chr18:62,113,310-62,113,312); deleting any one gives the same sequence. VCF-style (leftmost placement, unchanged base first): chr18-62113309-AG-A. GRCh37 (hg19) VCF-style: chr18-59780542-AG-A.
Other names: c.1258del, p.Leu420fs (NM_012327.6); c.1258delC (NM_176787.5); short protein forms L420fs.
Identifiers: ClinVar variation 472207 (VCV000472207.10), dbSNP rs1555685797, ClinGen allele CA658658759.
Genomic context (GRCh38, chr18:62,113,309, plus strand): 5'-CTGTCATATGTGTGATAATAGGACAATCCTTTCAATGCAAGATGAATTAGCTCCTTGCAA[AG>A]GGAGACCTATGGAGAAAAAACATATATAACTTGCTAACAGAAATAATAAGAAAACCTACA-3'